The following is an entry in ClinVar:

NM_020812.4(DOCK6):c.2250G>C (p.Glu750Asp)

Gene: DOCK6 (dedicator of cytokinesis 6; minus strand). Cytogenetic location: 19p13.2.
Variant type: single nucleotide variant.
Coding change: c.2250G>C on transcript NM_020812.4 (MANE Select); coding-DNA position 2250, G replaced by C.
Protein change: p.Glu750Asp; replaces glutamic acid 750 with aspartic acid.
Molecular consequence: missense variant.
Genome position (GRCh38, 1-based): chr19:11,236,488, C>G on the plus strand (G>C on the coding strand, the complement: DOCK6 is on the minus strand). VCF-style: chr19-11236488-C-G. GRCh37 (hg19) VCF-style: chr19-11347164-C-G.
Other names: c.2250G>C, p.Glu750Asp (NM_001367830.1); c.2250G>C (NM_020812.3, NM_020812.2); short protein forms E750D.
Identifiers: ClinVar variation 1982733 (VCV001982733.8), dbSNP rs555822477, ClinGen allele CA9207688.
Genomic context (GRCh38, chr19:11,236,488, plus strand): 5'-TTCGGGGCTGGCCAGGCGCAGTGCTGCAAGACTGGCCCGCAGCTCCTGCTCCACGTTGCC[C>G]TCGCTCAGCACAGTGTCCTTGAGCCGGAATGGGAAGGCTCCCTCCTCCAGGACGTGCACC-3'
Protein context (NP_065863.2, residues 740-760): PFRLKDTVLS[Glu750Asp]GNVEQELRAS

ClinVar aggregate classification (germline): Uncertain significance. Review status: criteria provided, multiple submitters, no conflicts (2 of 4 stars). 4 submissions from 4 submitters: Uncertain significance (3). 1 of the submissions does not count toward it. Last evaluated 2025-05-26.

Conditions:
Inborn genetic diseases. Identifiers: MedGen C0950123, MeSH D030342.
DOCK6-related disorder. Also called: DOCK6-related condition.

Allele frequency attached by ClinVar (database versions not stated): ExAC 0.00006; gnomAD 0.00006; TOPMed 0.00006; 1000 Genomes Project 0.00040; 1000 Genomes Project 30x 0.00062.

Submissions (4):

Ambry Genetics
Classification: Uncertain significance for Inborn genetic diseases. Last evaluated: 2025-05-26. Review status: criteria provided, single submitter. Criteria: Ambry Variant Classification Scheme 2023. Collection method: clinical testing. Allele origin: germline.

Labcorp Genetics (formerly Invitae), Labcorp
Classification: Uncertain significance. Last evaluated: 2025-01-25. Review status: criteria provided, single submitter. Criteria: Invitae Variant Classification Sherloc (09022015). Collection method: clinical testing. Allele origin: germline.
Comment: This sequence change replaces glutamic acid, which is acidic and polar, with aspartic acid, which is acidic and polar, at codon 750 of the DOCK6 protein (p.Glu750Asp). This variant is present in population databases (rs555822477, gnomAD 0.03%). This variant has not been reported in the literature in individuals affected with DOCK6-related conditions. ClinVar contains an entry for this variant (Variation ID: 1982733). Invitae Evidence Modeling of protein sequence and biophysical properties (such as structural, functional, and spatial information, amino acid conservation, physicochemical variation, residue mobility, and thermodynamic stability) indicates that this missense variant is not expected to disrupt DOCK6 protein function with a negative predictive value of 80%. In summary, the available evidence is currently insufficient to determine the role of this variant in disease. Therefore, it has been classified as a Variant of Uncertain Significance.

Blueprint Genetics
Classification: Uncertain significance. Last evaluated: 2023-01-18. Review status: criteria provided, single submitter. Criteria: ACMG Guidelines, 2015. Collection method: clinical testing. Allele origin: germline.

PreventionGenetics, part of Exact Sciences
Classification: Uncertain significance for DOCK6-related condition. Last evaluated: 2024-01-04. Review status: no assertion criteria provided. Collection method: clinical testing. Allele origin: germline. Not counted in ClinVar's aggregate classification.
Comment: The DOCK6 c.2250G>C variant is predicted to result in the amino acid substitution p.Glu750Asp. To our knowledge, this variant has not been reported in the literature in individuals with DOCK6-related disorders. This variant is reported in 0.023% of alleles in individuals of African descent in gnomAD. At this time, the clinical significance of this variant is uncertain due to the absence of conclusive functional and genetic evidence.